The following is an entry in ClinVar:

ClinVar aggregate classification (germline): Likely benign. Review status: criteria provided, multiple submitters, no conflicts (2 of 4 stars). 2 submissions from 2 submitters: Likely benign (2). Last evaluated 2024-07-11.

Conditions:
Hereditary cancer-predisposing syndrome. Also called: Neoplastic Syndromes, Hereditary; Tumor predisposition; Hereditary Cancer Syndrome; Hereditary neoplastic syndrome. Identifiers: Orphanet 140162, MedGen C0027672, MeSH D009386, MONDO:0015356.

Submissions (2):

Ambry Genetics
Classification: Likely benign for Hereditary cancer-predisposing syndrome. Last evaluated: 2024-07-11. Review status: criteria provided, single submitter. Criteria: Ambry Variant Classification Scheme 2023. Collection method: clinical testing. Allele origin: germline.

University of Washington Department of Laboratory Medicine, University of Washington
Classification: Likely benign for Hereditary cancer-predisposing syndrome. Last evaluated: 2023-03-23. Review status: criteria provided, single submitter. Criteria: Dines et al. (Genet Med. 2020). Collection method: curation. Allele origin: germline.
Comment: Missense variant in a coldspot region where missense variants are very unlikely to be pathogenic (PMID:31911673).

BRCA2 exon 11 coldspot. Reclassification based on statistical prior probability.

NM_000059.4(BRCA2):c.4087A>C (p.Asn1363His)

Gene: BRCA2 (BRCA2 DNA repair associated; plus strand). Cytogenetic location: 13q13.1.
Variant type: single nucleotide variant.
Coding change: c.4087A>C on transcript NM_000059.4 (MANE Select); coding-DNA position 4087, A replaced by C.
Protein change: p.Asn1363His; replaces asparagine 1363 with histidine.
Molecular consequence: missense variant.
Genome position (GRCh38, 1-based): chr13:32,338,442, A>C. VCF-style: chr13-32338442-A-C. GRCh37 (hg19) VCF-style: chr13-32912579-A-C.
Other names: c.4087A>C, p.Asn1363His (NM_001406719.1, NM_001406720.1); short protein forms N1363H.
Identifiers: ClinVar variation 1737670 (VCV001737670.5), dbSNP rs2072495655, ClinGen allele CA387779207.
Genomic context (GRCh38, chr13:32,338,442, plus strand): 5'-AAAAATGATACTGTTTGTATTCATAAAGATGAAACGGACTTGCTATTTACTGATCAGCAC[A>C]ACATATGTCTTAAATTATCTGGCCAGTTTATGAAGGAGGGAAACACTCAGATTAAAGAAG-3'
Protein context (NP_000050.3, residues 1353-1373): ETDLLFTDQH[Asn1363His]ICLKLSGQFM